The following is an entry in ClinVar:

NM_001387430.1(SH2B1):c.1555G>T (p.Asp519Tyr)

Gene: SH2B1 (SH2B adaptor protein 1; plus strand). Cytogenetic location: 16p11.2.
Variant type: single nucleotide variant.
Coding change: c.1555G>T on transcript NM_001387430.1 (MANE Select); coding-DNA position 1555, G replaced by T.
Protein change: p.Asp519Tyr; replaces aspartic acid 519 with tyrosine.
Molecular consequence: missense variant.
Genome position (GRCh38, 1-based): chr16:28,872,231, G>T. VCF-style: chr16-28872231-G-T. GRCh37 (hg19) VCF-style: chr16-28883552-G-T.
Other names: c.1555G>T, p.Asp519Tyr (NM_001145795.2, NM_001145796.2, NM_001145797.2 and 4 more transcripts); c.547G>T, p.Asp183Tyr (NM_001308294.2); short protein forms D183Y, D519Y.
Identifiers: ClinVar variation 3356529 (VCV003356529.1).

ClinVar aggregate classification (germline): Uncertain significance (0 of 4 stars; one submission).

Conditions:
SH2B1-related disorder. Also called: SH2B1-related condition.

gnomAD v4.1: 3 of 1,613,784 alleles (0.00019%); highest among the groups gnomAD compares: African/African-American, 0.004%; no homozygotes.

Submission:

PreventionGenetics, part of Exact Sciences
Classification: Uncertain significance for SH2B1-related condition. Last evaluated: 2024-08-07. Review status: no assertion criteria provided. Collection method: clinical testing. Allele origin: germline.
Comment: The SH2B1 c.1555G>T variant is predicted to result in the amino acid substitution p.Asp519Tyr. To our knowledge, this variant has not been reported in the literature. This variant is reported in 0.0080% of alleles in individuals of African descent in gnomAD. At this time, the clinical significance of this variant is uncertain due to the absence of conclusive functional and genetic evidence.